The following is an entry in ClinVar:

ClinVar aggregate classification (germline): Benign/Likely benign. Review status: criteria provided, multiple submitters, no conflicts (2 of 4 stars). 2 submissions from 2 submitters: Benign (1); Likely benign (1). Last evaluated 2024-06-20.

Conditions:
Familial cancer of breast. Also called: Hereditary breast cancer; hereditary breast carcinoma; BREAST CANCER, FAMILIAL. Identifiers: Orphanet 227535, MedGen C0346153, MONDO:0016419, OMIM 114480. Disease mechanism: loss of function.
Hereditary cancer-predisposing syndrome. Also called: Hereditary neoplastic syndrome; Neoplastic Syndromes, Hereditary; Tumor predisposition; Hereditary Cancer Syndrome. Identifiers: Orphanet 140162, MedGen C0027672, MeSH D009386, MONDO:0015356.

Submissions (2):

Myriad Genetics, Inc.
Classification: Benign for Familial cancer of breast. Last evaluated: 2024-06-20. Review status: criteria provided, single submitter. Criteria: Myriad Autosomal Dominant, Autosomal Recessive and X-Linked Classification Criteria (2023). Collection method: clinical testing. Allele origin: unknown.
Comment: This variant is considered benign. This variant is a silent/synonymous amino acid change and it is not expected to impact splicing.

Ambry Genetics
Classification: Likely benign for Hereditary cancer-predisposing syndrome. Last evaluated: 2021-08-08. Review status: criteria provided, single submitter. Criteria: Ambry Variant Classification Scheme 2023. Collection method: clinical testing. Allele origin: germline.

NM_000051.4(ATM):c.8742T>C (p.Ile2914=)

Genes: ATM (ATM serine/threonine kinase; plus strand), C11orf65 (chromosome 11 open reading frame 65; minus strand). Cytogenetic location: 11q22.3.
Variant type: single nucleotide variant.
Coding change: c.8742T>C on transcript NM_000051.4 (MANE Select); coding-DNA position 8742, T replaced by C.
Protein change: p.Ile2914=; no amino-acid change (isoleucine 2914 retained).
Molecular consequence: synonymous variant. On other transcripts: intron variant (2).
Genome position (GRCh38, 1-based): chr11:108,353,836, T>C. VCF-style: chr11-108353836-T-C. GRCh37 (hg19) VCF-style: chr11-108224563-T-C.
Other names: c.8742T>C, p.Ile2914= (NM_001351834.2); c.640+32084A>G (NM_001330368.2); c.695-18544A>G (NM_001351110.2).
Identifiers: ClinVar variation 1764516 (VCV001764516.3), dbSNP rs587782264, ClinGen allele CA476673908.
Genomic context (GRCh38, chr11:108,353,836, plus strand): 5'-TGAACAGGGCAAAATCCTTCCTACTCCTGAGACAGTTCCTTTTAGACTCACCAGAGATAT[T>C]GTGGATGGCATGGGCATTACGGGTGTTGAAGGTGTCTTCAGAAGGTAAGTGATATGAAGT-3'
Protein context (NP_000042.3, residues 2904-2924): ETVPFRLTRD[Ile2914=]VDGMGITGVE